The following is an entry in ClinVar:

NM_000122.2(ERCC3):c.1004C>T (p.Ser335Leu)

Gene: ERCC3 (ERCC excision repair 3, TFIIH core complex helicase subunit; minus strand). Cytogenetic location: 2q14.3.
Variant type: single nucleotide variant.
Coding change: c.1004C>T on transcript NM_000122.2 (MANE Select); coding-DNA position 1004, C replaced by T.
Protein change: p.Ser335Leu; replaces serine 335 with leucine.
Molecular consequence: missense variant.
Genome position (GRCh38, 1-based): chr2:127,288,683, G>A on the plus strand (C>T on the coding strand, the complement: ERCC3 is on the minus strand). VCF-style: chr2-127288683-G-A. GRCh37 (hg19) VCF-style: chr2-128046259-G-A.
Other names: c.812C>T, p.Ser271Leu (NM_001303416.2, NM_001303418.2); short protein forms S271L, S335L.
Identifiers: ClinVar variation 1507046 (VCV001507046.11), dbSNP rs142333442, ClinGen allele CA1858389.

ClinVar aggregate classification (germline): Conflicting classifications of pathogenicity. Review status: criteria provided, conflicting classifications (1 of 4 stars). 3 submissions from 3 submitters: Likely pathogenic (1); Uncertain significance (2). Last evaluated 2025-12-03.

Allele frequency attached by ClinVar (database versions not stated): gnomAD exomes 0.00002 and 0.00004; ExAC 0.00004; gnomAD 0.00015 and 0.00018; TOPMed 0.00015; ESP Exome Variant Server 0.00031.
gnomAD v4.1: 52 of 1,614,082 alleles (0.0032%); highest among the groups gnomAD compares: African/African-American, 0.057%; no homozygotes.

Submissions (3):

GeneDx
Classification: Likely pathogenic. Last evaluated: 2025-12-03. Review status: criteria provided, single submitter. Criteria: GeneDx Variant Classification Process June 2021. Collection method: clinical testing. Allele origin: germline. Affected: yes.
Comment: In silico analysis supports that this missense variant has a deleterious effect on protein structure/function; This variant is associated with the following publications: (PMID: O'Mahoney_2025_case report)

Labcorp Genetics (formerly Invitae), Labcorp
Classification: Uncertain significance. Last evaluated: 2023-08-04. Review status: criteria provided, single submitter. Criteria: Invitae Variant Classification Sherloc (09022015). Collection method: clinical testing. Allele origin: germline.
Comment: This sequence change replaces serine, which is neutral and polar, with leucine, which is neutral and non-polar, at codon 335 of the ERCC3 protein (p.Ser335Leu). This variant is present in population databases (rs142333442, gnomAD 0.06%). This variant has not been reported in the literature in individuals affected with ERCC3-related conditions. ClinVar contains an entry for this variant (Variation ID: 1507046). Advanced modeling of protein sequence and biophysical properties (such as structural, functional, and spatial information, amino acid conservation, physicochemical variation, residue mobility, and thermodynamic stability) performed at Invitae indicates that this missense variant is expected to disrupt ERCC3 protein function. In summary, the available evidence is currently insufficient to determine the role of this variant in disease. Therefore, it has been classified as a Variant of Uncertain Significance.

Breakthrough Genomics
Classification: Uncertain significance. Review status: criteria provided, single submitter. Criteria: ACMG Guidelines, 2015. Collection method: not provided. Allele origin: germline. Inheritance: Autosomal recessive inheritance. Affected: yes.